The following is an entry in ClinVar:

NM_006767.4(LZTR1):c.454C>T (p.Leu152Phe)

Gene: LZTR1 (leucine zipper like post translational regulator 1; plus strand). Cytogenetic location: 22q11.21.
Variant type: single nucleotide variant.
Coding change: c.454C>T on transcript NM_006767.4 (MANE Select); coding-DNA position 454, C replaced by T.
Protein change: p.Leu152Phe; replaces leucine 152 with phenylalanine.
Molecular consequence: missense variant.
Genome position (GRCh38, 1-based): chr22:20,988,063, C>T. VCF-style: chr22-20988063-C-T. GRCh37 (hg19) VCF-style: chr22-21342352-C-T.
Other names: c.454C>T (NM_006767.3); short protein forms L152F.
Identifiers: ClinVar variation 2420108 (VCV002420108.8), dbSNP rs376500345, ClinGen allele CA10118442.

ClinVar aggregate classification (germline): Uncertain significance. Review status: criteria provided, multiple submitters, no conflicts (2 of 4 stars). 3 submissions from 3 submitters: Uncertain significance (3). Last evaluated 2024-03-25.

Conditions:
Cardiovascular phenotype. Identifiers: MedGen CN230736.
Hereditary cancer-predisposing syndrome. Also called: Hereditary Cancer Syndrome; Tumor predisposition; Neoplastic Syndromes, Hereditary; Hereditary neoplastic syndrome. Identifiers: Orphanet 140162, MedGen C0027672, MeSH D009386, MONDO:0015356.

Allele frequency attached by ClinVar (database versions not stated): gnomAD exomes below 0.00001; ExAC 0.00001; ESP Exome Variant Server 0.00008.
gnomAD v4.1: 2 of 1,613,500 alleles (0.00012%); highest among the groups gnomAD compares: Non-Finnish European, 0.000085%; no homozygotes.

Submissions (3):

Women's Health and Genetics/Laboratory Corporation of America, LabCorp
Classification: Uncertain significance. Last evaluated: 2024-03-25. Review status: criteria provided, single submitter. Criteria: LabCorp Variant Classification Summary - May 2015. Collection method: clinical testing. Allele origin: germline.
Comment: Variant summary: LZTR1 c.454C>T (p.Leu152Phe) results in a non-conservative amino acid change in the encoded protein sequence. Two of three in-silico tools predict a damaging effect of the variant on protein function. The variant allele was found at a frequency of 4e-06 in 251378 control chromosomes. The available data on variant occurrences in the general population are insufficient to allow any conclusion about variant significance. To our knowledge, no occurrence of c.454C>T in individuals affected with Noonan Syndrome and no experimental evidence demonstrating its impact on protein function have been reported. ClinVar contains an entry for this variant (Variation ID: 2420108). Based on the evidence outlined above, the variant was classified as uncertain significance.

Ambry Genetics
Classification: Uncertain significance for Cardiovascular phenotype; Hereditary cancer-predisposing syndrome. Last evaluated: 2023-05-15. Review status: criteria provided, single submitter. Criteria: Ambry Variant Classification Scheme 2023. Collection method: clinical testing. Allele origin: germline.
Comment: The p.L152F variant (also known as c.454C>T), located in coding exon 5 of the LZTR1 gene, results from a C to T substitution at nucleotide position 454. The leucine at codon 152 is replaced by phenylalanine, an amino acid with highly similar properties. This amino acid position is highly conserved in available vertebrate species. In addition, the in silico prediction for this alteration is inconclusive. Since supporting evidence is limited at this time, the clinical significance of this alteration remains unclear.

Labcorp Genetics (formerly Invitae), Labcorp
Classification: Uncertain significance. Last evaluated: 2023-04-15. Review status: criteria provided, single submitter. Criteria: Invitae Variant Classification Sherloc (09022015). Collection method: clinical testing. Allele origin: germline.
Comment: This sequence change replaces leucine, which is neutral and non-polar, with phenylalanine, which is neutral and non-polar, at codon 152 of the LZTR1 protein (p.Leu152Phe). This variant is present in population databases (rs376500345, gnomAD no frequency). In summary, the available evidence is currently insufficient to determine the role of this variant in disease. Therefore, it has been classified as a Variant of Uncertain Significance. Advanced modeling of protein sequence and biophysical properties (such as structural, functional, and spatial information, amino acid conservation, physicochemical variation, residue mobility, and thermodynamic stability) performed at Invitae indicates that this missense variant is not expected to disrupt LZTR1 protein function. ClinVar contains an entry for this variant (Variation ID: 2420108). This variant has not been reported in the literature in individuals affected with LZTR1-related conditions.